The following is an entry in ClinVar:

NM_001365951.3(KIF1B):c.2043-3T>C

Gene: KIF1B (kinesin family member 1B; plus strand). Cytogenetic location: 1p36.22.
Variant type: single nucleotide variant.
Coding change: c.2043-3T>C on transcript NM_001365951.3 (MANE Select); 3 bases into the intron before coding-DNA position 2043, T replaced by C.
Molecular consequence: intron variant.
Genome position (GRCh38, 1-based): chr1:10,297,171, T>C. VCF-style: chr1-10297171-T-C. GRCh37 (hg19) VCF-style: chr1-10357229-T-C.
Other names: c.1905-3T>C (NM_183416.4, NM_015074.3, NM_001365953.1); c.2043-3T>C (NM_001365952.1).
Identifiers: ClinVar variation 3730339 (VCV003730339.2).

ClinVar aggregate classification (germline): Uncertain significance (1 of 4 stars; one submission).

Conditions:
Charcot-Marie-Tooth disease type 2. Also called: Charcot-Marie-Tooth type 2. Identifiers: Orphanet 64746, MedGen C0270914, MONDO:0018993.

Submission:

Labcorp Genetics (formerly Invitae), Labcorp
Classification: Uncertain significance for Charcot-Marie-Tooth disease type 2. Last evaluated: 2024-12-26. Review status: criteria provided, single submitter. Criteria: Invitae Variant Classification Sherloc (09022015). Collection method: clinical testing. Allele origin: germline.
Comment: This sequence change falls in intron 19 of the KIF1B gene. It does not directly change the encoded amino acid sequence of the KIF1B protein. It affects a nucleotide within the consensus splice site. This variant is not present in population databases (gnomAD no frequency). This variant has not been reported in the literature in individuals affected with KIF1B-related conditions. Variants that disrupt the consensus splice site are a relatively common cause of aberrant splicing (PMID: 17576681, 9536098). Algorithms developed to predict the effect of sequence changes on RNA splicing suggest that this variant is not likely to affect RNA splicing. In summary, the available evidence is currently insufficient to determine the role of this variant in disease. Therefore, it has been classified as a Variant of Uncertain Significance.

Literature cited by the submitters: PubMed 17576681; PubMed 9536098.